The following is an entry in ClinVar:

NM_024408.4(NOTCH2):c.1605C>G (p.Asp535Glu)

Gene: NOTCH2 (notch receptor 2; minus strand). Cytogenetic location: 1p12.
Variant type: single nucleotide variant.
Coding change: c.1605C>G on transcript NM_024408.4 (MANE Select); coding-DNA position 1605, C replaced by G.
Protein change: p.Asp535Glu; replaces aspartic acid 535 with glutamic acid.
Molecular consequence: missense variant.
Genome position (GRCh38, 1-based): chr1:119,965,529, G>C on the plus strand (C>G on the coding strand, the complement: NOTCH2 is on the minus strand). VCF-style: chr1-119965529-G-C. GRCh37 (hg19) VCF-style: chr1-120508152-G-C.
Other names: c.1605C>G, p.Asp535Glu (NM_001200001.2); short protein forms D535E.
Identifiers: ClinVar variation 2838761 (VCV002838761.3), dbSNP rs1449223049, ClinGen allele CA341875390.

ClinVar aggregate classification (germline): Uncertain significance (1 of 4 stars; one submission).

Conditions:
Hajdu-Cheney syndrome (HJCYS). Also called: ACROOSTEOLYSIS WITH OSTEOPOROSIS AND CHANGES IN SKULL AND MANDIBLE; SERPENTINE FIBULA-POLYCYSTIC KIDNEY SYNDROME; Acroosteolysis dominant type. Identifiers: Orphanet 955, MedGen C0917715, MONDO:0007057, OMIM 102500.

Allele frequency attached by ClinVar (database versions not stated): TOPMed below 0.00001.

Submission:

Labcorp Genetics (formerly Invitae), Labcorp
Classification: Uncertain significance for Hajdu-Cheney syndrome. Last evaluated: 2023-08-30. Review status: criteria provided, single submitter. Criteria: Invitae Variant Classification Sherloc (09022015). Collection method: clinical testing. Allele origin: germline.
Comment: In summary, the available evidence is currently insufficient to determine the role of this variant in disease. Therefore, it has been classified as a Variant of Uncertain Significance. Advanced modeling of protein sequence and biophysical properties (such as structural, functional, and spatial information, amino acid conservation, physicochemical variation, residue mobility, and thermodynamic stability) performed at Invitae indicates that this missense variant is not expected to disrupt NOTCH2 protein function. This variant has not been reported in the literature in individuals affected with NOTCH2-related conditions. This variant is not present in population databases (gnomAD no frequency). This sequence change replaces aspartic acid, which is acidic and polar, with glutamic acid, which is acidic and polar, at codon 535 of the NOTCH2 protein (p.Asp535Glu).